The following is an entry in ClinVar:

NM_001395413.1(POR):c.1434C>A (p.Tyr478Ter)

Gene: POR (cytochrome p450 oxidoreductase; plus strand). Cytogenetic location: 7q11.23.
Variant type: single nucleotide variant.
Coding change: c.1434C>A on transcript NM_001395413.1 (MANE Select); coding-DNA position 1434, C replaced by A.
Protein change: p.Tyr478Ter; replaces tyrosine 478 with a stop codon.
Molecular consequence: nonsense.
Genome position (GRCh38, 1-based): chr7:75,985,623, C>A. VCF-style: chr7-75985623-C-A. GRCh37 (hg19) VCF-style: chr7-75614941-C-A.
Other names: c.1434C>A, p.Tyr478Ter (NM_001367562.3, NM_001382657.2, NM_001382658.3 and 1 more transcripts); c.1488C>A, p.Tyr496Ter (NM_001382655.3); c.1284C>A, p.Tyr428Ter (NM_001382662.3); short protein forms Y428*, Y478*, Y496*.
Identifiers: ClinVar variation 691923 (VCV000691923.5), dbSNP rs373613946, ClinGen allele CA367749974.

ClinVar aggregate classification (germline): Pathogenic. Review status: criteria provided, multiple submitters, no conflicts (2 of 4 stars). 2 submissions from 2 submitters: Pathogenic (2). Last evaluated 2023-12-18.

Conditions:
Antley-Bixler syndrome with genital anomalies and disordered steroidogenesis (ABS1). Also called: POR Deficiency. Identifiers: Orphanet 63269, MedGen C3150099, MONDO:0008726, OMIM 201750.
Congenital adrenal hyperplasia due to cytochrome P450 oxidoreductase deficiency. Also called: DISORDERED STEROIDOGENESIS DUE TO POR DEFICIENCY. Identifiers: Orphanet 95699, MedGen C1860042, MONDO:0013310, OMIM 613571.

gnomAD v4.1: 26 of 1,588,294 alleles (0.0016%); highest among the groups gnomAD compares: Non-Finnish European, 0.002%; no homozygotes.

Submissions (2):

Labcorp Genetics (formerly Invitae), Labcorp
Classification: Pathogenic for Congenital adrenal hyperplasia due to cytochrome P450 oxidoreductase deficiency. Last evaluated: 2023-12-18. Review status: criteria provided, single submitter. Criteria: Invitae Variant Classification Sherloc (09022015). Collection method: clinical testing. Allele origin: germline.
Comment: This sequence change creates a premature translational stop signal (p.Tyr481*) in the POR gene. It is expected to result in an absent or disrupted protein product. Loss-of-function variants in POR are known to be pathogenic (PMID: 14758361, 20732302, 21741353). The frequency data for this variant in the population databases is considered unreliable, as metrics indicate poor data quality at this position in the gnomAD database. This premature translational stop signal has been observed in individual(s) with clinical features of Antley-Bixler syndrome (PMID: 31837199). ClinVar contains an entry for this variant (Variation ID: 691923). For these reasons, this variant has been classified as Pathogenic.

Klinisk genetik och genomik Research, Gothenburg University
Classification: Pathogenic for Antley-Bixler syndrome with genital anomalies and disordered steroidogenesis. Last evaluated: 2019-09-25. Review status: criteria provided, single submitter. Criteria: ACMG Guidelines, 2015. Collection method: research. Allele origin: germline. Affected: yes.
Comment: Co-segregating with previously known pathogenic variant in POR

Literature cited by the submitters: PubMed 14758361 (cited by Labcorp Genetics (formerly Invitae), Labcorp); PubMed 20732302 (cited by Labcorp Genetics (formerly Invitae), Labcorp); PubMed 21741353 (cited by Labcorp Genetics (formerly Invitae), Labcorp); PubMed 31837199 (cited by Labcorp Genetics (formerly Invitae), Labcorp and Klinisk genetik och genomik Research, Gothenburg University).